The following is an entry in ClinVar:

ClinVar aggregate classification (germline): Uncertain significance (1 of 4 stars; one submission).

Conditions:
Hereditary cancer-predisposing syndrome. Also called: Hereditary Cancer Syndrome; Tumor predisposition; Hereditary neoplastic syndrome; Neoplastic Syndromes, Hereditary. Identifiers: Orphanet 140162, MedGen C0027672, MeSH D009386, MONDO:0015356.

Submission:

Ambry Genetics
Classification: Uncertain significance for Hereditary cancer-predisposing syndrome. Last evaluated: 2024-08-20. Review status: criteria provided, single submitter. Criteria: Ambry Variant Classification Scheme 2023. Collection method: clinical testing. Allele origin: germline.
Comment: The p.A297S variant (also known as c.889G>T), located in coding exon 4 of the MSH6 gene, results from a G to T substitution at nucleotide position 889. The alanine at codon 297 is replaced by serine, an amino acid with similar properties. This amino acid position is conserved. In addition, this alteration is predicted to be tolerated by in silico analysis. Based on the available evidence, the clinical significance of this variant remains unclear.

NM_000179.3(MSH6):c.889G>T (p.Ala297Ser)

Gene: MSH6 (mutS homolog 6; plus strand). Cytogenetic location: 2p16.3.
Variant type: single nucleotide variant.
Coding change: c.889G>T on transcript NM_000179.3 (MANE Select); coding-DNA position 889, G replaced by T.
Protein change: p.Ala297Ser; replaces alanine 297 with serine.
Molecular consequence: missense variant. On other transcripts: non-coding transcript variant (4), intron variant (1), 5 prime UTR variant (9).
Genome position (GRCh38, 1-based): chr2:47,798,872, G>T. VCF-style: chr2-47798872-G-T. GRCh37 (hg19) VCF-style: chr2-48026011-G-T.
Other names: c.628-1794G>T (NM_001407362.1); c.499G>T, p.Ala167Ser (NM_001281492.2); c.-18G>T (NM_001281493.2, NM_001281494.2, NM_001406811.1 and 6 more transcripts); c.985G>T, p.Ala329Ser (NM_001406795.1, NM_001406802.1); c.889G>T, p.Ala297Ser (NM_001406796.1, NM_001406798.1, NM_001406800.1 and 4 more transcripts); c.592G>T, p.Ala198Ser (NM_001406797.1, NM_001406801.1, NM_001406805.1 and 10 more transcripts); c.364G>T, p.Ala122Ser (NM_001406799.1, NM_001406806.1, NM_001406807.1); c.811G>T, p.Ala271Ser (NM_001406804.1); and 2 more; short protein forms A122S, A198S, A271S, A299S, A167S, A241S, A329S, A297S.
Identifiers: ClinVar variation 3398898 (VCV003398898.1).
Genomic context (GRCh38, chr2:47,798,872, plus strand): 5'-GAAATAAGCAGTGGAGTGGGGGATAGTGAGAGTGAAGGCCTGAACAGCCCTGTCAAAGTT[G>T]CTCGAAAGCGGAAGAGAATGGTGACTGGAAATGGCTCTCTTAAAAGGAAAAGCTCTAGGA-3'
Protein context (NP_000170.1, residues 287-307): SEGLNSPVKV[Ala297Ser]RKRKRMVTGN